The following is an entry in ClinVar:

ClinVar aggregate classification (germline): Uncertain significance. Review status: criteria provided, multiple submitters, no conflicts (2 of 4 stars). 5 submissions from 5 submitters: Uncertain significance (5). Last evaluated 2026-05-19.

Conditions:
Cystic fibrosis (CF). Also called: MUCOVISCIDOSIS. Identifiers: Orphanet 586, MedGen C0010674, MONDO:0009061, OMIM 219700. Disease mechanism: loss of function.

Allele frequency attached by ClinVar (database versions not stated): gnomAD exomes 0.00005; ExAC 0.00003; gnomAD 0.00001; ESP Exome Variant Server 0.00008.
gnomAD v4.1: 76 of 1,613,848 alleles (0.0047%); highest among the groups gnomAD compares: South Asian, 0.019%; no homozygotes.

Submissions (5):

Women's Health and Genetics/Laboratory Corporation of America, LabCorp
Classification: Uncertain significance. Last evaluated: 2026-05-19. Review status: criteria provided, single submitter. Criteria: LabCorp Variant Classification Summary - May 2015. Collection method: clinical testing. Allele origin: germline.
Comment: Variant summary: CFTR c.4264C>T (p.Arg1422Trp) results in a non-conservative amino acid change in the encoded protein sequence. Algorithms developed to predict the effect of missense changes on protein structure and function are either unavailable or do not agree on the potential impact of this missense change. The variant allele was found at a frequency of 3.6e-05 in 250494 control chromosomes (gnomAD). The available data on variant occurrences in the general population are insufficient to allow any conclusion about variant significance. c.4264C>T has been reported in the literature in individuals affected Cystic Fibrosis (e.g. Claustres_2017, sickkids database), at least once occuring on the same allele with the well known pathogenic deltaF508 variant (c.1521_1523del [p.Phe508del]). The variant was also reported in one individual with pancreatic ductal adenocarcinoma (Zimmermann_2021). These reports do not provide unequivocal conclusions about association of the variant with disease. To our knowledge, no experimental evidence demonstrating an impact on protein function has been reported. The following publications have been ascertained in the context of this evaluation (PMID: 31883651, 25087612, 25735457, 29271547, 11504857, 28603918, 33747920). ClinVar contains an entry for this variant (Variation ID: 1705126). Based on the evidence outlined above, the variant was classified as uncertain significance.

ARUP Laboratories, Molecular Genetics and Genomics, ARUP Laboratories
Classification: Uncertain significance. Last evaluated: 2024-12-12. Review status: criteria provided, single submitter. Criteria: ARUP Molecular Germline Variant Investigation Process 2024. Collection method: clinical testing. Allele origin: germline.
Comment: The CFTR c.4264C>T; p.Arg1422Trp variant (rs373172017, ClinVar Variation ID 1705126) is reported to co-occur with F508del variant on the same chromosome as part of a complex allele in an individual with cystic fibrosis (Claustres 2017). However, any influence of Arg1422Trp on F508del is unclear. This variant is only observed on nine alleles in the Genome Aggregation Database (v2.1.1), indicating it is not a common polymorphism. Computational analyses are uncertain whether this variant is neutral or deleterious (REVEL: 0.566). Due to limited information, the clinical significance of this variant is uncertain at this time. References: Claustres M et al. CFTR-France, a national relational patient database for sharing genetic and phenotypic data associated with rare CFTR variants. Hum Mutat. 2017 Oct. PMID: 28603918.

Quest Diagnostics Nichols Institute San Juan Capistrano
Classification: Uncertain significance. Last evaluated: 2023-10-05. Review status: criteria provided, single submitter. Criteria: Quest Diagnostics criteria. Collection method: clinical testing. Allele origin: unknown.

Ambry Genetics
Classification: Uncertain significance for Cystic fibrosis. Last evaluated: 2023-09-28. Review status: criteria provided, single submitter. Criteria: Ambry Variant Classification Scheme 2023. Collection method: clinical testing. Allele origin: germline.
Comment: The p.R1422W variant (also known as c.4264C>T), located in coding exon 27 of the CFTR gene, results from a C to T substitution at nucleotide position 4264. The arginine at codon 1422 is replaced by tryptophan, an amino acid with dissimilar properties. This amino acid position is not well conserved in available vertebrate species. In addition, the in silico prediction for this alteration is inconclusive. Since supporting evidence is limited at this time, the clinical significance of this alteration remains unclear.

Labcorp Genetics (formerly Invitae), Labcorp
Classification: Uncertain significance for Cystic fibrosis. Last evaluated: 2022-08-17. Review status: criteria provided, single submitter. Criteria: Invitae Variant Classification Sherloc (09022015). Collection method: clinical testing. Allele origin: germline.
Comment: This sequence change replaces arginine, which is basic and polar, with tryptophan, which is neutral and slightly polar, at codon 1422 of the CFTR protein (p.Arg1422Trp). This variant is present in population databases (rs373172017, gnomAD 0.005%). This missense change has been observed in individual(s) with clinical features of cystic fibrosis (PMID: 11504857, 28603918, 29271547). Algorithms developed to predict the effect of missense changes on protein structure and function output the following: SIFT: "Tolerated"; PolyPhen-2: "Benign"; Align-GVGD: "Class C0". The tryptophan amino acid residue is found in multiple mammalian species, which suggests that this missense change does not adversely affect protein function. In summary, the available evidence is currently insufficient to determine the role of this variant in disease. Therefore, it has been classified as a Variant of Uncertain Significance.

Literature cited by the submitters: PubMed 11504857 (cited by 3 submitters); PubMed 25087612 (cited by Women's Health and Genetics/Laboratory Corporation of America, LabCorp and Quest Diagnostics Nichols Institute San Juan Capistrano); PubMed 25735457 (cited by Women's Health and Genetics/Laboratory Corporation of America, LabCorp); PubMed 28603918 (cited by 3 submitters); PubMed 31883651 (cited by Women's Health and Genetics/Laboratory Corporation of America, LabCorp and Quest Diagnostics Nichols Institute San Juan Capistrano); PubMed 29271547 (cited by 3 submitters); PubMed 33747920 (cited by Women's Health and Genetics/Laboratory Corporation of America, LabCorp and Quest Diagnostics Nichols Institute San Juan Capistrano); PubMed 32734384 (cited by Quest Diagnostics Nichols Institute San Juan Capistrano).

NM_000492.4(CFTR):c.4264C>T (p.Arg1422Trp)

Genes: CFTR (CF transmembrane conductance regulator; plus strand), LOC111674477 (CFTR intron 23 enhancer; plus strand). Cytogenetic location: 7q31.2.
Variant type: single nucleotide variant.
Coding change: c.4264C>T on transcript NM_000492.4 (MANE Select); coding-DNA position 4264, C replaced by T.
Protein change: p.Arg1422Trp; replaces arginine 1422 with tryptophan.
Molecular consequence: missense variant.
Genome position (GRCh38, 1-based): chr7:117,666,929, C>T. VCF-style: chr7-117666929-C-T. GRCh37 (hg19) VCF-style: chr7-117306983-C-T.
Other names: short protein forms R1422W.
Identifiers: ClinVar variation 1705126 (VCV001705126.12), dbSNP rs373172017, ClinGen allele CA327471.